The following is an entry in ClinVar:

NM_001370259.2(MEN1):c.1567G>A (p.Ala523Thr)

Gene: MEN1 (menin 1; minus strand). Cytogenetic location: 11q13.1.
Variant type: single nucleotide variant.
Coding change: c.1567G>A on transcript NM_001370259.2 (MANE Select); coding-DNA position 1567, G replaced by A.
Protein change: p.Ala523Thr; replaces alanine 523 with threonine.
Molecular consequence: missense variant.
Genome position (GRCh38, 1-based): chr11:64,804,600, C>T on the plus strand (G>A on the coding strand, the complement: MEN1 is on the minus strand). VCF-style: chr11-64804600-C-T. GRCh37 (hg19) VCF-style: chr11-64572072-C-T.
Other names: c.1582G>A, p.Ala528Thr (NM_000244.4, NM_130800.3, NM_130801.3 and 3 more transcripts); c.1693G>A, p.Ala565Thr (NM_001370251.2); c.1567G>A, p.Ala523Thr (NM_001370260.2, NM_001370261.2, NM_130799.3); c.1462G>A, p.Ala488Thr (NM_001370262.2, NM_001370263.2); short protein forms A523T, A528T, A488T, A565T.
Identifiers: ClinVar variation 527263 (VCV000527263.16), dbSNP rs760683615, ClinGen allele CA060785.
Genomic context (GRCh38, chr11:64,804,600, plus strand): 5'-ATGCTGTGGGTGCTGGCACCTGAGCCGTGCTGCCACCTTCAGGGCCTCGGGCTGTGCCAG[C>T]GACAGTCCCAGGAGGCTTCCGGGGGGGTCCTGACACTGCACCCTGGCCGGTGCCCAGGCC-3'
Protein context (NP_001357188.2, residues 513-533): GPPRKPPGTV[Ala523Thr]GTARGPEGGS

ClinVar aggregate classification (germline): Conflicting classifications of pathogenicity. Review status: criteria provided, conflicting classifications (1 of 4 stars). 6 submissions from 6 submitters: Uncertain significance (3); Likely benign (3). Last evaluated 2026-01-31.

Conditions:
Multiple endocrine neoplasia, type 1 (MEN1). Also called: MEN I; WERMER SYNDROME; Endocrine adenomatosis multiple; MEN 1; MEA I. Identifiers: Orphanet 652, MedGen C0025267, MeSH D018761, MONDO:0007540, OMIM 131100.
Hereditary cancer-predisposing syndrome. Also called: Neoplastic Syndromes, Hereditary; Tumor predisposition; Hereditary neoplastic syndrome; Hereditary Cancer Syndrome. Identifiers: Orphanet 140162, MedGen C0027672, MeSH D009386, MONDO:0015356.

Allele frequency attached by ClinVar (database versions not stated): gnomAD 0.00001; TOPMed 0.00001.

Submissions (6):

Labcorp Genetics (formerly Invitae), Labcorp
Classification: Likely benign for Multiple endocrine neoplasia, type 1. Last evaluated: 2026-01-31. Review status: criteria provided, single submitter. Criteria: Invitae Variant Classification Sherloc (09022015). Collection method: clinical testing. Allele origin: germline.

GeneDx
Classification: Uncertain significance. Last evaluated: 2025-01-02. Review status: criteria provided, single submitter. Criteria: GeneDx Variant Classification Process June 2021. Collection method: clinical testing. Allele origin: germline. Affected: yes.
Comment: In silico analysis indicates that this missense variant does not alter protein structure/function; Has not been previously published as pathogenic or benign to our knowledge

All of Us Research Program, National Institutes of Health
Classification: Likely benign for Multiple endocrine neoplasia, type 1. Last evaluated: 2024-02-05. Review status: criteria provided, single submitter. Criteria: ACMG Guidelines, 2015. Collection method: clinical testing. Allele origin: germline. Inheritance: Autosomal dominant inheritance. Observed: 3 variant alleles, 3 heterozygotes.
Comment: This study involves interpretation of variants in research participants for the purpose of population health screening. Participant phenotype was not available at the time of variant classification. Additional details can be found in publication PMID: 35346344, PMCID: PMC8962531

Department of Pathology and Laboratory Medicine, Sinai Health System
Classification: Uncertain significance for Multiple endocrine neoplasia, type 1. Last evaluated: 2023-10-03. Review status: criteria provided, single submitter. Criteria: ACMG Guidelines, 2015. Collection method: clinical testing. Allele origin: germline. Affected: no.

Women's Health and Genetics/Laboratory Corporation of America, LabCorp
Classification: Uncertain significance. Last evaluated: 2022-06-23. Review status: criteria provided, single submitter. Criteria: LabCorp Variant Classification Summary - May 2015. Collection method: clinical testing. Allele origin: germline.
Comment: Variant summary: MEN1 c.1567G>A (p.Ala523Thr) results in a non-conservative amino acid change in the encoded protein sequence. Three of five in-silico tools predict a benign effect of the variant on protein function. The variant allele was found at a frequency of 2.2e-05 in 277746 control chromosomes (gnomAD), predominantly at a frequency of 0.00025 within the East Asian subpopulation in the gnomAD database. The available data on variant occurrences in the general population are insufficient to allow any conclusion about variant significance. To our knowledge, no occurrence of c.1567G>A in individuals affected with Multiple Endocrine Neoplasia Type 1 and no experimental evidence demonstrating its impact on protein function have been reported. One ClinVar submitter has assessed the variant since 2014: the variant was classified as of uncertain significance. Based on the evidence outlined above, the variant was classified as uncertain significance.

Ambry Genetics
Classification: Likely benign for Hereditary cancer-predisposing syndrome. Last evaluated: 2022-03-28. Review status: criteria provided, single submitter. Criteria: Ambry Variant Classification Scheme 2023. Collection method: clinical testing. Allele origin: germline.